The following is an entry in ClinVar:

ClinVar aggregate classification (germline): Conflicting classifications of pathogenicity. Review status: criteria provided, conflicting classifications (1 of 4 stars). 3 submissions from 3 submitters: Uncertain significance (1); Likely benign (1). 1 of the submissions does not count toward it. Last evaluated 2026-01-26.

Conditions:
TRMT10A-related disorder. Also called: TRMT10A-related condition.

Allele frequency attached by ClinVar (database versions not stated): gnomAD exomes 0.00012 and 0.00033; ExAC 0.00035; 1000 Genomes Project 0.00060; 1000 Genomes Project 30x 0.00062; gnomAD 0.00077 and 0.00084; TOPMed 0.00125; ESP Exome Variant Server 0.00154.
gnomAD v4.1: 301 of 1,613,968 alleles (0.019%); highest among the groups gnomAD compares: African/African-American, 0.33%; 3 homozygotes.

Submissions (3):

Labcorp Genetics (formerly Invitae), Labcorp
Classification: Likely benign. Last evaluated: 2026-01-26. Review status: criteria provided, single submitter. Criteria: Invitae Variant Classification Sherloc (09022015). Collection method: clinical testing. Allele origin: germline.

Genetic Services Laboratory, University of Chicago
Classification: Uncertain significance. Last evaluated: 2017-05-17. Review status: criteria provided, single submitter. Criteria: ACMG Guidelines, 2015. Collection method: clinical testing. Allele origin: germline. Affected: no.

PreventionGenetics, part of Exact Sciences
Classification: Likely benign for TRMT10A-related condition. Last evaluated: 2022-08-10. Review status: no assertion criteria provided. Collection method: clinical testing. Allele origin: germline. Not counted in ClinVar's aggregate classification.
Comment: This variant is classified as likely benign based on ACMG/AMP sequence variant interpretation guidelines (Richards et al. 2015 PMID: 25741868, with internal and published modifications).

NM_001134665.3(TRMT10A):c.955C>A (p.Pro319Thr)

Gene: TRMT10A (tRNA methyltransferase 10A; minus strand). Cytogenetic location: 4q23.
Variant type: single nucleotide variant.
Coding change: c.955C>A on transcript NM_001134665.3 (MANE Select); coding-DNA position 955, C replaced by A.
Protein change: p.Pro319Thr; replaces proline 319 with threonine.
Molecular consequence: missense variant.
Genome position (GRCh38, 1-based): chr4:99,549,153, G>T on the plus strand (C>A on the coding strand, the complement: TRMT10A is on the minus strand). VCF-style: chr4-99549153-G-T. GRCh37 (hg19) VCF-style: chr4-100470310-G-T.
Other names: c.955C>A, p.Pro319Thr (NM_001134666.3, NM_152292.5); short protein forms P319T.
Identifiers: ClinVar variation 437054 (VCV000437054.17), dbSNP rs143207059, ClinGen allele CA3021385.